The following is an entry in ClinVar:

NM_001942.4(DSG1):c.2381G>A (p.Ser794Asn)

Genes: DSG1 (desmoglein 1; plus strand), DSG1-AS1 (DSG1 antisense RNA 1; minus strand), LOC126862720 (MED14-independent group 3 enhancer GRCh37_chr18:28933613-28934812; plus strand). Cytogenetic location: 18q12.1.
Variant type: single nucleotide variant.
Coding change: c.2381G>A on transcript NM_001942.4 (MANE Select); coding-DNA position 2381, G replaced by A.
Protein change: p.Ser794Asn; replaces serine 794 with asparagine.
Molecular consequence: missense variant.
Genome position (GRCh38, 1-based): chr18:31,354,577, G>A. VCF-style: chr18-31354577-G-A. GRCh37 (hg19) VCF-style: chr18-28934540-G-A.
Other names: short protein forms S794N.
Identifiers: ClinVar variation 4765195 (VCV004765195.1).

ClinVar aggregate classification (germline): Uncertain significance (1 of 4 stars; one submission).

gnomAD v4.1: 1 of 1,614,170 alleles (0.000062%); highest among the groups gnomAD compares: Non-Finnish European, 0.000085%; no homozygotes.

Submission:

Labcorp Genetics (formerly Invitae), Labcorp
Classification: Uncertain significance. Last evaluated: 2025-04-27. Review status: criteria provided, single submitter. Criteria: Invitae Variant Classification Sherloc (09022015). Collection method: clinical testing. Allele origin: germline.
Comment: This sequence change replaces serine, which is neutral and polar, with asparagine, which is neutral and polar, at codon 794 of the DSG1 protein (p.Ser794Asn). This variant is not present in population databases (gnomAD no frequency). This variant has not been reported in the literature in individuals affected with DSG1-related conditions. An algorithm developed to predict the effect of missense changes on protein structure and function outputs the following: PolyPhen-2: "Benign". The asparagine amino acid residue is found in multiple mammalian species, which suggests that this missense change does not adversely affect protein function. In summary, the available evidence is currently insufficient to determine the role of this variant in disease. Therefore, it has been classified as a Variant of Uncertain Significance.